The following is an entry in ClinVar:

NM_003640.5(ELP1):c.575_579delinsGG (p.Asp192_Asp193delinsGly)

Gene: ELP1 (elongator acetyltransferase complex subunit 1; minus strand). Cytogenetic location: 9q31.3.
Variant type: Indel.
Coding change: c.575_579delinsGG on transcript NM_003640.5 (MANE Select); coding-DNA positions 575 to 579, ATGAC replaced by GG.
Protein change: p.Asp192_Asp193delinsGly.
Molecular consequence: inframe indel. On other transcripts: intron variant (1).
Genome position (GRCh38, 1-based): chr9:108,919,323-108,919,327, GTCAT replaced by CC on the plus strand (ATGAC replaced by GG on the coding strand, the reverse complement: ELP1 is on the minus strand). VCF-style: chr9-108919323-GTCAT-CC. GRCh37 (hg19) VCF-style: chr9-111681603-GTCAT-CC.
Other names: c.233_237delinsGG, p.Asp78_Asp79delinsGly (NM_001318360.2); c.-307-1657_-307-1653delinsGG (NM_001330749.2); c.575_579delinsGG (NM_003640.4).
Identifiers: ClinVar variation 2445688 (VCV002445688.1), dbSNP rs2537943651, ClinGen allele CA2580079516.
Genomic context (GRCh38, chr9:108,919,323, plus strand): 5'-GCAAACAACACTCACAGCAAAAAACTGTCCATCCCCCCGCCAGGTAACTTGTGGTCTATG[GTCAT>CC]CCCAGGGCAAAGCAGACTCATGCTAAAAAGGGGAACAAACACCAATATTACTGGGGGACC-3'

ClinVar aggregate classification (germline): Uncertain significance (1 of 4 stars; one submission).

Submission:

Women's Health and Genetics/Laboratory Corporation of America, LabCorp
Classification: Uncertain significance. Last evaluated: 2023-02-27. Review status: criteria provided, single submitter. Criteria: LabCorp Variant Classification Summary - May 2015. Collection method: clinical testing. Allele origin: germline.
Comment: Variant summary: IKBKAP c.575_579delinsGG (p.Asp192_Asp193delinsGly) results in an in-frame deletion-insertion that is predicted to delete two amino acids and insert one amino acid from the encoded protein. The variant was absent in 251386 control chromosomes (gnomAD). To our knowledge, no occurrence of c.575_579delinsGG in individuals affected with Familial Dysautonomia and no experimental evidence demonstrating its impact on protein function have been reported. No clinical diagnostic laboratories have submitted clinical-significance assessments for this variant to ClinVar after 2014. Based on the evidence outlined above, the variant was classified as uncertain significance.